The following is an entry in ClinVar:

NM_001330360.2(POLA1):c.2581T>A (p.Phe861Ile)

Gene: POLA1 (DNA polymerase alpha 1, catalytic subunit; plus strand). Cytogenetic location: Xp22.11.
Variant type: single nucleotide variant.
Coding change: c.2581T>A on transcript NM_001330360.2 (MANE Select); coding-DNA position 2581, T replaced by A.
Protein change: p.Phe861Ile; replaces phenylalanine 861 with isoleucine.
Molecular consequence: missense variant. On other transcripts: non-coding transcript variant (2).
Genome position (GRCh38, 1-based): chrX:24,745,432, T>A. VCF-style: chrX-24745432-T-A. GRCh37 (hg19) VCF-style: chrX-24763549-T-A.
Other names: c.2506T>A, p.Phe836Ile (NM_001378303.1); c.2563T>A, p.Phe855Ile (NM_016937.4); short protein forms F855I, F861I, F836I.
Identifiers: ClinVar variation 3707344 (VCV003707344.2).

ClinVar aggregate classification (germline): Uncertain significance (1 of 4 stars; one submission).

Submission:

Labcorp Genetics (formerly Invitae), Labcorp
Classification: Uncertain significance. Last evaluated: 2024-10-06. Review status: criteria provided, single submitter. Criteria: Invitae Variant Classification Sherloc (09022015). Collection method: clinical testing. Allele origin: germline.
Comment: This sequence change replaces phenylalanine, which is neutral and non-polar, with isoleucine, which is neutral and non-polar, at codon 855 of the POLA1 protein (p.Phe855Ile). This variant is not present in population databases (gnomAD no frequency). This variant has not been reported in the literature in individuals affected with POLA1-related conditions. Invitae Evidence Modeling of protein sequence and biophysical properties (such as structural, functional, and spatial information, amino acid conservation, physicochemical variation, residue mobility, and thermodynamic stability) has been performed for this missense variant. However, the output from this modeling did not meet the statistical confidence thresholds required to predict the impact of this variant on POLA1 protein function. In summary, the available evidence is currently insufficient to determine the role of this variant in disease. Therefore, it has been classified as a Variant of Uncertain Significance.